The following is an entry in ClinVar:

NM_001034853.2(RPGR):c.442G>C (p.Gly148Arg)

Gene: RPGR (retinitis pigmentosa GTPase regulator; minus strand). Cytogenetic location: Xp11.4.
Variant type: single nucleotide variant.
Coding change: c.442G>C on transcript NM_001034853.2 (MANE Select); coding-DNA position 442, G replaced by C.
Protein change: p.Gly148Arg; replaces glycine 148 with arginine.
Molecular consequence: missense variant. On other transcripts: non-coding transcript variant (6).
Genome position (GRCh38, 1-based): chrX:38,318,856, C>G on the plus strand (G>C on the coding strand, the complement: RPGR is on the minus strand). VCF-style: chrX-38318856-C-G. GRCh37 (hg19) VCF-style: chrX-38178109-C-G.
Other names: c.442G>C, p.Gly148Arg (NM_000328.3, NM_001367245.1, NM_001367246.1 and 3 more transcripts); c.472G>C, p.Gly158Arg (NM_001367248.1); c.439G>C, p.Gly147Arg (NM_001367249.1); short protein forms G147R, G158R, G148R.
Identifiers: ClinVar variation 2744664 (VCV002744664.3), dbSNP rs2067876063, ClinGen allele CA412745041.

ClinVar aggregate classification (germline): Pathogenic (1 of 4 stars; one submission).

Conditions:
Primary ciliary dyskinesia. Also called: Ciliary dyskinesia. Identifiers: Orphanet 244, MedGen C0008780, MONDO:0016575, HP:0012265.

Submission:

Labcorp Genetics (formerly Invitae), Labcorp
Classification: Pathogenic for Primary ciliary dyskinesia. Last evaluated: 2023-07-18. Review status: criteria provided, single submitter. Criteria: Invitae Variant Classification Sherloc (09022015). Collection method: clinical testing. Allele origin: germline.
Comment: For these reasons, this variant has been classified as Pathogenic. Advanced modeling of protein sequence and biophysical properties (such as structural, functional, and spatial information, amino acid conservation, physicochemical variation, residue mobility, and thermodynamic stability) performed at Invitae indicates that this missense variant is expected to disrupt RPGR protein function. This missense change has been observed in individual(s) with primary ciliary dyskinesia (Invitae). In at least one individual the variant was observed to be de novo. This variant is not present in population databases (gnomAD no frequency). This sequence change replaces glycine, which is neutral and non-polar, with arginine, which is basic and polar, at codon 148 of the RPGR protein (p.Gly148Arg).